The following is an entry in ClinVar:

NM_006516.4(SLC2A1):c.85A>G (p.Asn29Asp)

Gene: SLC2A1 (solute carrier family 2 member 1; minus strand). Cytogenetic location: 1p34.2.
Variant type: single nucleotide variant.
Coding change: c.85A>G on transcript NM_006516.4 (MANE Select); coding-DNA position 85, A replaced by G.
Protein change: p.Asn29Asp; replaces asparagine 29 with aspartic acid.
Molecular consequence: missense variant.
Genome position (GRCh38, 1-based): chr1:42,943,255, T>C on the plus strand (A>G on the coding strand, the complement: SLC2A1 is on the minus strand). VCF-style: chr1-42943255-T-C. GRCh37 (hg19) VCF-style: chr1-43408926-T-C.
Other names: short protein forms N29D.
Identifiers: ClinVar variation 3338741 (VCV003338741.1).

ClinVar aggregate classification (germline): Uncertain significance (1 of 4 stars; one submission).

Submission:

GeneDx
Classification: Uncertain significance. Last evaluated: 2024-01-12. Review status: criteria provided, single submitter. Criteria: GeneDx Variant Classification Process June 2021. Collection method: clinical testing. Allele origin: germline. Affected: yes.
Comment: Not observed at significant frequency in large population cohorts (gnomAD); In silico analysis supports that this missense variant has a deleterious effect on protein structure/function; Has not been previously published as pathogenic or benign to our knowledge